The following is an entry in ClinVar:

ClinVar aggregate classification (germline): Likely benign (0 of 4 stars; one submission).

Conditions:
RFX5-related disorder. Also called: RFX5-related condition.

Submission:

PreventionGenetics, part of Exact Sciences
Classification: Likely benign for RFX5-related condition. Last evaluated: 2020-02-18. Review status: no assertion criteria provided. Collection method: clinical testing. Allele origin: germline.
Comment: This variant is classified as likely benign based on ACMG/AMP sequence variant interpretation guidelines (Richards et al. 2015 PMID: 25741868, with internal and published modifications).

NM_001025603.2(RFX5):c.353+9A>T

Gene: RFX5 (regulatory factor X5; minus strand). Cytogenetic location: 1q21.3.
Variant type: single nucleotide variant.
Coding change: c.353+9A>T on transcript NM_001025603.2 (MANE Select); 9 bases into the intron after coding-DNA position 353, A replaced by T.
Molecular consequence: intron variant.
Genome position (GRCh38, 1-based): chr1:151,344,719, T>A on the plus strand (A>T on the coding strand, the complement: RFX5 is on the minus strand). VCF-style: chr1-151344719-T-A. GRCh37 (hg19) VCF-style: chr1-151317195-T-A.
Other names: c.234-183A>T (NM_001379419.1, NM_001379420.1); c.353+9A>T (NM_000449.4, NM_001379413.1, NM_001379417.1 and 5 more transcripts).
Identifiers: ClinVar variation 3051084 (VCV003051084.2), dbSNP rs1240794071, ClinGen allele CA1007681658.